The following is an entry in ClinVar:

NM_001370259.2(MEN1):c.655-18A>G

Gene: MEN1 (menin 1; minus strand). Cytogenetic location: 11q13.1.
Variant type: single nucleotide variant.
Coding change: c.655-18A>G on transcript NM_001370259.2 (MANE Select); 18 bases into the intron before coding-DNA position 655, A replaced by G.
Molecular consequence: intron variant.
Genome position (GRCh38, 1-based): chr11:64,807,698, T>C on the plus strand (A>G on the coding strand, the complement: MEN1 is on the minus strand). VCF-style: chr11-64807698-T-C. GRCh37 (hg19) VCF-style: chr11-64575170-T-C.
Other names: c.670-18A>G (NM_130804.3, NM_130803.3, NM_000244.4 and 5 more transcripts); c.550-18A>G (NM_001407148.1, NM_001407149.1, NM_001407151.1 and 2 more transcripts); c.655-18A>G (NM_130799.3, NM_001407144.1, NM_001370260.2 and 7 more transcripts).
Identifiers: ClinVar variation 3773235 (VCV003773235.2).

ClinVar aggregate classification (germline): Likely benign. Review status: criteria provided, multiple submitters, no conflicts (2 of 4 stars). 2 submissions from 2 submitters: Likely benign (2). Last evaluated 2025-08-18.

Conditions:
Multiple endocrine neoplasia, type 1 (MEN1). Also called: MEN I; WERMER SYNDROME; Endocrine adenomatosis multiple; MEN 1; MEA I. Identifiers: Orphanet 652, MedGen C0025267, MeSH D018761, MONDO:0007540, OMIM 131100.

Submissions (2):

Labcorp Genetics (formerly Invitae), Labcorp
Classification: Likely benign for Multiple endocrine neoplasia, type 1. Last evaluated: 2025-08-18. Review status: criteria provided, single submitter. Criteria: Invitae Variant Classification Sherloc (09022015). Collection method: clinical testing. Allele origin: germline.

Myriad Genetics, Inc.
Classification: Likely benign for Multiple endocrine neoplasia, type 1. Last evaluated: 2024-11-01. Review status: criteria provided, single submitter. Criteria: Myriad Autosomal Dominant, Autosomal Recessive and X-Linked Classification Criteria (2023). Collection method: clinical testing. Allele origin: unknown.
Comment: This variant is considered likely benign. This variant is intronic and is not expected to impact mRNA splicing.